The following is an entry in ClinVar:

NM_020297.4(ABCC9):c.25A>C (p.Asn9His)

Gene: ABCC9 (ATP binding cassette subfamily C member 9; minus strand). Cytogenetic location: 12p12.1.
Variant type: single nucleotide variant.
Coding change: c.25A>C on transcript NM_020297.4 (MANE Select); coding-DNA position 25, A replaced by C.
Protein change: p.Asn9His; replaces asparagine 9 with histidine.
Molecular consequence: missense variant. On other transcripts: 5 prime UTR variant (1).
Genome position (GRCh38, 1-based): chr12:21,936,650, T>G on the plus strand (A>C on the coding strand, the complement: ABCC9 is on the minus strand). VCF-style: chr12-21936650-T-G. GRCh37 (hg19) VCF-style: chr12-22089584-T-G.
Other names: c.25A>C, p.Asn9His (NM_001377273.1, NM_005691.4); c.-430A>C (NM_001377274.1); short protein forms N9H.
Identifiers: ClinVar variation 2201716 (VCV002201716.5), dbSNP rs895752614, ClinGen allele CA384133965.

ClinVar aggregate classification (germline): Uncertain significance. Review status: criteria provided, multiple submitters, no conflicts (2 of 4 stars). 2 submissions from 2 submitters: Uncertain significance (2). Last evaluated 2026-06-01.

Conditions:
Cardiovascular phenotype. Identifiers: MedGen CN230736.
Dilated cardiomyopathy 1O (CMD1O). Also called: CARDIOMYOPATHY, DILATED, WITH VENTRICULAR TACHYCARDIA. Identifiers: Orphanet 154, MedGen C1837839, MONDO:0012062, OMIM 608569.

Allele frequency attached by ClinVar (database versions not stated): gnomAD exomes below 0.00001.
gnomAD v4.1: 1 of 1,611,416 alleles (0.000062%); highest among the groups gnomAD compares: Non-Finnish European, 0.000085%; no homozygotes.

Submissions (2):

Ambry Genetics
Classification: Uncertain significance for Cardiovascular phenotype. Last evaluated: 2026-06-01. Review status: criteria provided, single submitter. Criteria: Ambry Variant Classification Scheme 2023. Collection method: clinical testing. Allele origin: germline.
Comment: The p.N9H variant (also known as c.25A>C), located in coding exon 1 of the ABCC9 gene, results from an A to C substitution at nucleotide position 25. The asparagine at codon 9 is replaced by histidine, an amino acid with similar properties. This amino acid position is conserved. In addition, the in silico prediction for this alteration is inconclusive. Based on the available evidence, the clinical significance of this variant remains unclear.

Labcorp Genetics (formerly Invitae), Labcorp
Classification: Uncertain significance for Dilated cardiomyopathy 1O. Last evaluated: 2025-10-23. Review status: criteria provided, single submitter. Criteria: Invitae Variant Classification Sherloc (09022015). Collection method: clinical testing. Allele origin: germline.
Comment: This sequence change replaces asparagine, which is neutral and polar, with histidine, which is basic and polar, at codon 9 of the ABCC9 protein (p.Asn9His). This variant is not present in population databases (gnomAD no frequency). This variant has not been reported in the literature in individuals affected with ABCC9-related conditions. ClinVar contains an entry for this variant (Variation ID: 2201716). Invitae Evidence Modeling of protein sequence and biophysical properties (such as structural, functional, and spatial information, amino acid conservation, physicochemical variation, residue mobility, and thermodynamic stability) has been performed for this missense variant. However, the output from this modeling did not meet the statistical confidence thresholds required to predict the impact of this variant on ABCC9 protein function. In summary, the available evidence is currently insufficient to determine the role of this variant in disease. Therefore, it has been classified as a Variant of Uncertain Significance.